The following is an entry in ClinVar:

ClinVar aggregate classification (germline): Uncertain significance (1 of 4 stars; one submission).

Allele frequency attached by ClinVar (database versions not stated): gnomAD exomes below 0.00001.
gnomAD v4.1: 3 of 1,614,150 alleles (0.00019%); highest among the groups gnomAD compares: Middle Eastern, 0.033%; no homozygotes.

Submission:

Labcorp Genetics (formerly Invitae), Labcorp
Classification: Uncertain significance. Last evaluated: 2021-04-11. Review status: criteria provided, single submitter. Criteria: Invitae Variant Classification Sherloc (09022015). Collection method: clinical testing. Allele origin: germline.
Comment: In summary, the available evidence is currently insufficient to determine the role of this variant in disease. Therefore, it has been classified as a Variant of Uncertain Significance. Algorithms developed to predict the effect of missense changes on protein structure and function are either unavailable or do not agree on the potential impact of this missense change (SIFT: "Deleterious"; PolyPhen-2: "Benign"; Align-GVGD: "Class C55"). This variant has not been reported in the literature in individuals with NBAS-related conditions. This variant is not present in population databases (ExAC no frequency). This sequence change replaces alanine with glycine at codon 1620 of the NBAS protein (p.Ala1620Gly). The alanine residue is highly conserved and there is a small physicochemical difference between alanine and glycine.

NM_015909.4(NBAS):c.4859C>G (p.Ala1620Gly)

Gene: NBAS (NBAS subunit of NRZ tethering complex; minus strand). Cytogenetic location: 2p24.3.
Variant type: single nucleotide variant.
Coding change: c.4859C>G on transcript NM_015909.4 (MANE Select); coding-DNA position 4859, C replaced by G.
Protein change: p.Ala1620Gly; replaces alanine 1620 with glycine.
Molecular consequence: missense variant. On other transcripts: non-coding transcript variant (1).
Genome position (GRCh38, 1-based): chr2:15,292,705, G>C on the plus strand (C>G on the coding strand, the complement: NBAS is on the minus strand). VCF-style: chr2-15292705-G-C. GRCh37 (hg19) VCF-style: chr2-15432829-G-C.
Other names: short protein forms A1620G.
Identifiers: ClinVar variation 1466236 (VCV001466236.8), dbSNP rs1670364563, ClinGen allele CA345890038.